The following is an entry in ClinVar:

NM_001303256.3(MORC2):c.727T>C (p.Tyr243His)

Gene: MORC2 (MORC family CW-type zinc finger 2; minus strand). Cytogenetic location: 22q12.2.
Variant type: single nucleotide variant.
Coding change: c.727T>C on transcript NM_001303256.3 (MANE Select); coding-DNA position 727, T replaced by C.
Protein change: p.Tyr243His; replaces tyrosine 243 with histidine.
Molecular consequence: missense variant.
Genome position (GRCh38, 1-based): chr22:30,941,530, A>G on the plus strand (T>C on the coding strand, the complement: MORC2 is on the minus strand). VCF-style: chr22-30941530-A-G. GRCh37 (hg19) VCF-style: chr22-31337517-A-G.
Other names: c.727T>C, p.Tyr243His (NM_001303257.2); c.541T>C, p.Tyr181His (NM_014941.3); short protein forms Y181H, Y243H.
Identifiers: ClinVar variation 3572795 (VCV003572795.1).

ClinVar aggregate classification (germline): Uncertain significance (1 of 4 stars; one submission).

Submission:

GeneDx
Classification: Uncertain significance. Last evaluated: 2024-07-11. Review status: criteria provided, single submitter. Criteria: GeneDx Variant Classification Process June 2021. Collection method: clinical testing. Allele origin: germline. Affected: yes.
Comment: Not observed at significant frequency in large population cohorts (gnomAD); In silico analysis supports that this missense variant has a deleterious effect on protein structure/function; Has not been previously published as pathogenic or benign to our knowledge